The following is an entry in ClinVar:

NM_031844.3(HNRNPU):c.197C>T (p.Ser66Phe)

Gene: HNRNPU (heterogeneous nuclear ribonucleoprotein U; minus strand). Cytogenetic location: 1q44.
Variant type: single nucleotide variant.
Coding change: c.197C>T on transcript NM_031844.3 (MANE Select); coding-DNA position 197, C replaced by T.
Protein change: p.Ser66Phe; replaces serine 66 with phenylalanine.
Molecular consequence: missense variant.
Genome position (GRCh38, 1-based): chr1:244,864,111, G>A on the plus strand (C>T on the coding strand, the complement: HNRNPU is on the minus strand). VCF-style: chr1-244864111-G-A. GRCh37 (hg19) VCF-style: chr1-245027413-G-A.
Other names: c.197C>T, p.Ser66Phe (NM_004501.3); short protein forms S66F.
Identifiers: ClinVar variation 1921110 (VCV001921110.5), dbSNP rs1163062953, ClinGen allele CA345497673.

ClinVar aggregate classification (germline): Uncertain significance (1 of 4 stars; one submission).

Conditions:
Developmental and epileptic encephalopathy, 54. Also called: HNRNPU-Related Neurodevelopmental Disorder; Epileptic encephalopathy, early infantile, 54. Identifiers: MedGen C4479319, MONDO:0033363, OMIM 617391.

Allele frequency attached by ClinVar (database versions not stated): gnomAD 0.00001; gnomAD exomes 0.00001.
gnomAD v4.1: 9 of 1,596,542 alleles (0.00056%); highest among the groups gnomAD compares: South Asian, 0.0011%; no homozygotes.

Submission:

Labcorp Genetics (formerly Invitae), Labcorp
Classification: Uncertain significance for Developmental and epileptic encephalopathy, 54. Last evaluated: 2026-01-12. Review status: criteria provided, single submitter. Criteria: Invitae Variant Classification Sherloc (09022015). Collection method: clinical testing. Allele origin: germline.
Comment: This sequence change replaces serine, which is neutral and polar, with phenylalanine, which is neutral and non-polar, at codon 66 of the HNRNPU protein (p.Ser66Phe). The frequency data for this variant in the population databases is considered unreliable, as metrics indicate poor data quality at this position in the gnomAD database. This variant has not been reported in the literature in individuals affected with HNRNPU-related conditions. ClinVar contains an entry for this variant (Variation ID: 1921110). Invitae Evidence Modeling of protein sequence and biophysical properties (such as structural, functional, and spatial information, amino acid conservation, physicochemical variation, residue mobility, and thermodynamic stability) indicates that this missense variant is not expected to disrupt HNRNPU protein function with a negative predictive value of 95%. In summary, the available evidence is currently insufficient to determine the role of this variant in disease. Therefore, it has been classified as a Variant of Uncertain Significance.